The following is an entry in ClinVar:

NM_015474.4(SAMHD1):c.*1008C>G

Genes: SAMHD1 (SAM and HD domain containing deoxynucleoside triphosphate triphosphohydrolase 1; minus strand), TLDC2 (TBC/LysM-associated domain containing 2; plus strand). Cytogenetic location: 20q11.23.
Variant type: single nucleotide variant.
Coding change: c.*1008C>G on transcript NM_015474.4 (MANE Select); 1008 bases downstream of the stop codon, C replaced by G.
Molecular consequence: 3 prime UTR variant. On other transcripts: intron variant (2).
Genome position (GRCh38, 1-based): chr20:36,891,924, G>C on the plus strand (C>G on the coding strand, the complement: SAMHD1 is on the minus strand). VCF-style: chr20-36891924-G-C. GRCh37 (hg19) VCF-style: chr20-35520327-G-C.
Other names: c.*1008C>G (NM_001363729.2); c.*18-938G>C (NM_001304783.1, NM_080628.3).
Identifiers: ClinVar variation 338328 (VCV000338328.5), dbSNP rs116489517, ClinGen allele CA10643807.

ClinVar aggregate classification (germline): Benign. Review status: criteria provided, single submitter (1 of 4 stars). 2 submissions from 1 submitter: Benign (2). Last evaluated 2018-01-12.

Conditions:
Aicardi-Goutieres syndrome 5. Identifiers: Orphanet 51, MedGen C2749659, MONDO:0013059, OMIM 612952.
Chilblain lupus 2 (CHBL2). Identifiers: MedGen C3280721, MONDO:0013739, OMIM 614415.

Allele frequency attached by ClinVar (database versions not stated): gnomAD 0.00386 and 0.00406; TOPMed 0.00416; 1000 Genomes Project 0.00459; 1000 Genomes Project 30x 0.00468.

Submissions (2):

Illumina Laboratory Services, Illumina
Classification: Benign for Aicardi-Goutieres syndrome 5. Last evaluated: 2018-01-12. Review status: criteria provided, single submitter. Criteria: ICSL Variant Classification Criteria 13 December 2019. Collection method: clinical testing. Allele origin: germline.
Comment: This variant was observed in the ICSL laboratory as part of a predisposition screen in an ostensibly healthy population. It had not been previously curated by ICSL or reported in the Human Gene Mutation Database (HGMD: prior to June 1st, 2018), and was therefore a candidate for classification through an automated scoring system. Utilizing variant allele frequency, disease prevalence and penetrance estimates, and inheritance mode, an automated score was calculated to assess if this variant is too frequent to cause the disease. Based on the score and internal cut-off values, a variant classified as benign is not then subjected to further curation. The score for this variant resulted in a classification of benign for this disease.

Illumina Laboratory Services, Illumina
Classification: Benign for Chilblain lupus 2. Last evaluated: 2018-01-12. Review status: criteria provided, single submitter. Criteria: ICSL Variant Classification Criteria 13 December 2019. Collection method: clinical testing. Allele origin: germline.
Comment: the same text as in the submission from Illumina Laboratory Services, Illumina above.